The following is an entry in ClinVar:

ClinVar aggregate classification (germline): Uncertain significance (1 of 4 stars; one submission).

Submission:

GeneDx
Classification: Uncertain significance. Last evaluated: 2024-03-19. Review status: criteria provided, single submitter. Criteria: GeneDx Variant Classification Process June 2021. Collection method: clinical testing. Allele origin: germline.
Comment: Not observed at significant frequency in large population cohorts (gnomAD); In silico analysis supports that this missense variant does not alter protein structure/function; Has not been previously published as pathogenic or benign to our knowledge

NM_001197104.2(KMT2A):c.3065G>A (p.Arg1022Lys)

Gene: KMT2A (lysine methyltransferase 2A; plus strand). Cytogenetic location: 11q23.3.
Variant type: single nucleotide variant.
Coding change: c.3065G>A on transcript NM_001197104.2 (MANE Select); coding-DNA position 3065, G replaced by A.
Protein change: p.Arg1022Lys; replaces arginine 1022 with lysine.
Molecular consequence: missense variant.
Genome position (GRCh38, 1-based): chr11:118,474,224, G>A. VCF-style: chr11-118474224-G-A. GRCh37 (hg19) VCF-style: chr11-118344939-G-A.
Other names: c.3164G>A, p.Arg1055Lys (NM_001412597.1); c.3065G>A, p.Arg1022Lys (NM_005933.4); short protein forms R1022K, R1055K.
Identifiers: ClinVar variation 2444660 (VCV002444660.2), dbSNP rs1949993936, ClinGen allele CA382819736.